The following is an entry in ClinVar:

NM_000277.3(PAH):c.1215_1219del (p.Ile406fs)

Gene: PAH (phenylalanine hydroxylase; minus strand). Cytogenetic location: 12q23.2.
Variant type: Deletion.
Coding change: c.1215_1219del on transcript NM_000277.3 (MANE Select); coding-DNA positions 1215 to 1219, 5 bases deleted (AATAC; older notation c.1215_1219delAATAC).
Protein change: p.Ile406fs; shifts the reading frame from isoleucine 406.
Molecular consequence: frameshift variant.
Genome position (GRCh38, 1-based): chr12:102,840,496-102,840,500, GTATT deleted on the plus strand (AATAC on the coding strand, the reverse complement: PAH is on the minus strand); deleting any 5 consecutive bases within chr12:102,840,496-102,840,502 gives the same sequence; the c. name uses the placement nearest the transcript's 3' end. VCF-style (leftmost placement, unchanged base first): chr12-102840495-GGTATT-G. GRCh37 (hg19) VCF-style: chr12-103234273-GGTATT-G.
Other names: c.1215_1219del, p.Ile406fs (NM_001354304.2); short protein forms I406fs.
Identifiers: ClinVar variation 932264 (VCV000932264.1), dbSNP rs1874547168, ClinGen allele CA16020971.
Genomic context (GRCh38, chr12:102,840,495, plus strand): 5'-GTATTGTCCAAGACCTCAATCCTTTGGGTGTATGGGTCGTAGCGAACTGAGAAGGGCCGA[GGTATT>G]GTGGCAGCAAAGTTCCTAAGACCAAAACCACAGGCTTGAGTGAAGGGCACCATTTGGAGA-3'

ClinVar aggregate classification (germline): Pathogenic (3 of 4 stars; one submission).

Conditions:
Phenylketonuria (PKU). Also called: OLIGOPHRENIA PHENYLPYRUVICA; Phenylketonurias; Phenylketonuria (PKU); FOLLING DISEASE. Identifiers: Orphanet 716, MedGen C0031485, MONDO:0009861, OMIM 261600. Disease mechanism: loss of function.

Submission:

ClinGen PAH Variant Curation Expert Panel
Classification: Pathogenic for Phenylketonuria. Last evaluated: 2020-05-14. Review status: reviewed by expert panel. Criteria: ClinGen PAH ACMG Specifications v1. Collection method: curation. Allele origin: germline. Inheritance: Autosomal recessive inheritance.
Comment: BH4 deficiency was excluded by analysis of urinary pterins and dihydropteridine reductase activity in erythrocytes (PP4-Moderate). This is a frameshift variant in exon 12 out of 13 coding exons. The variant is predicted to undergo nonsense mediated mRNA decay (NMD), as it is not located in the 3'-most exon or the 3'-most 50 bp of the penultimate exon. The exon is present in biologically-relevant transcripts (PVS1). Variant was found in trans with pathogenic variant p.P147L (PMID: 26322415) (PM3). Parental DNA was sequenced via NGS. The variant is absent from controls in gnomAD, PAGE, 100 Genomes or ESP (PM2). In summary, this variant meets criteria to be classified as pathogenic for PAH. PAH-specific ACMG/AMP criteria applied: PVS1, PM3, PP4-Moderate, PM2.

Literature cited by the submitters: PubMed 26322415.